The following is an entry in ClinVar:

NM_016932.5(SIX2):c.599C>T (p.Pro200Leu)

Gene: SIX2 (SIX homeobox 2; minus strand). Cytogenetic location: 2p21.
Variant type: single nucleotide variant.
Coding change: c.599C>T on transcript NM_016932.5 (MANE Select); coding-DNA position 599, C replaced by T.
Protein change: p.Pro200Leu; replaces proline 200 with leucine.
Molecular consequence: missense variant.
Genome position (GRCh38, 1-based): chr2:45,006,447, G>A on the plus strand (C>T on the coding strand, the complement: SIX2 is on the minus strand). VCF-style: chr2-45006447-G-A. GRCh37 (hg19) VCF-style: chr2-45233586-G-A.
Other names: short protein forms P200L.
Identifiers: ClinVar variation 2906746 (VCV002906746.3), dbSNP rs768678682, ClinGen allele CA1642528.
Genomic context (GRCh38, chr2:45,006,447, plus strand): 5'-CCCGATGGAGTCTTCTCATCCTCCGAGCTGCCTAACACCGACTTGCCGCTGCCATTCAGC[G>A]GGTTGTGGCTGTTAGAATTGGAGTTCTCGTTGTTCTCCCTGCAAGTGCGGGAGCAAAGCA-3'
Protein context (NP_058628.3, residues 190-210): NENSNSNSHN[Pro200Leu]LNGSGKSVLG

ClinVar aggregate classification (germline): Uncertain significance (1 of 4 stars; one submission).

Allele frequency attached by ClinVar (database versions not stated): TOPMed 0.00003.

Submission:

Labcorp Genetics (formerly Invitae), Labcorp
Classification: Uncertain significance. Last evaluated: 2023-02-16. Review status: criteria provided, single submitter. Criteria: Invitae Variant Classification Sherloc (09022015). Collection method: clinical testing. Allele origin: germline.
Comment: This variant has not been reported in the literature in individuals affected with SIX2-related conditions. This sequence change replaces proline, which is neutral and non-polar, with leucine, which is neutral and non-polar, at codon 200 of the SIX2 protein (p.Pro200Leu). This variant is present in population databases (rs768678682, gnomAD 0.03%). Advanced modeling of protein sequence and biophysical properties (such as structural, functional, and spatial information, amino acid conservation, physicochemical variation, residue mobility, and thermodynamic stability) performed at Invitae indicates that this missense variant is not expected to disrupt SIX2 protein function. In summary, the available evidence is currently insufficient to determine the role of this variant in disease. Therefore, it has been classified as a Variant of Uncertain Significance.